The following is an entry in ClinVar:

NM_001257096.2(PAX1):c.154_160dup (p.Gly54fs)

Gene: PAX1 (paired box 1; plus strand). Cytogenetic location: 20p11.22.
Variant type: Microsatellite.
Coding change: c.154_160dup on transcript NM_001257096.2 (MANE Select); coding-DNA positions 154 to 160, 7 bases duplicated (CTCTCGG; older notation c.154_160dupCTCTCGG).
Protein change: p.Gly54fs; shifts the reading frame from glycine 54.
Molecular consequence: frameshift variant.
Genome position (GRCh38, 1-based): chr20:21,705,866-21,705,872, CTCTCGG duplicated; duplicating any 7 consecutive bases within chr20:21,705,856-21,705,872 gives the same sequence; the c. name uses the placement nearest the transcript's 3' end. VCF-style (leftmost placement, unchanged base first): chr20-21705855-G-GCGGCTCT. GRCh37 (hg19) VCF-style: chr20-21686493-G-GCGGCTCT.
Other names: c.154_160dup, p.Gly54fs (NM_006192.5); short protein forms G54fs.
Identifiers: ClinVar variation 1451400 (VCV001451400.6), dbSNP rs955802904, ClinGen allele CA313027374.

ClinVar aggregate classification (germline): Pathogenic (1 of 4 stars; one submission).

Submission:

Labcorp Genetics (formerly Invitae), Labcorp
Classification: Pathogenic. Last evaluated: 2022-01-06. Review status: criteria provided, single submitter. Criteria: Invitae Variant Classification Sherloc (09022015). Collection method: clinical testing. Allele origin: germline.
Comment: For these reasons, this variant has been classified as Pathogenic. This variant has not been reported in the literature in individuals affected with PAX1-related conditions. This variant is not present in population databases (gnomAD no frequency). This sequence change creates a premature translational stop signal (p.Gly54Alafs*84) in the PAX1 gene. It is expected to result in an absent or disrupted protein product. Loss-of-function variants in PAX1 are known to be pathogenic (PMID: 1889089, 23851939, 28657137, 29681087).

Literature cited by the submitters: PubMed 1889089; PubMed 23851939; PubMed 28657137; PubMed 29681087.